The following is an entry in ClinVar:

NM_003482.4(KMT2D):c.15370A>G (p.Met5124Val)

Gene: KMT2D (lysine methyltransferase 2D; minus strand). Cytogenetic location: 12q13.12.
Variant type: single nucleotide variant.
Coding change: c.15370A>G on transcript NM_003482.4 (MANE Select); coding-DNA position 15370, A replaced by G.
Protein change: p.Met5124Val; replaces methionine 5124 with valine.
Molecular consequence: missense variant.
Genome position (GRCh38, 1-based): chr12:49,026,596, T>C on the plus strand (A>G on the coding strand, the complement: KMT2D is on the minus strand). VCF-style: chr12-49026596-T-C. GRCh37 (hg19) VCF-style: chr12-49420379-T-C.
Other names: short protein forms M5124V.
Identifiers: ClinVar variation 2443160 (VCV002443160.2), dbSNP rs2120360606, ClinGen allele CA384688493.

ClinVar aggregate classification (germline): Uncertain significance (0 of 4 stars; one submission).

Submission:

Genetic Services Laboratory, University of Chicago
Classification: Uncertain significance. Last evaluated: 2022-08-06. Review status: no assertion criteria provided. Collection method: clinical testing. Allele origin: germline. Affected: no.
Comment: DNA sequence analysis of the KMT2D gene demonstrated two sequence changes. The first sequence change, c.15370A>G, in exon 48 results in an amino acid change, p.Met5124Val. This sequence change does not appear to have been previously described in individuals with KMT2D-related disorders and has also not been described in population databases such as ExAC and gnomAD. The p.Met5124Val change affects a highly conserved amino acid residue located in a domain of the KMT2D protein that is known to be functional. In-silico pathogenicity prediction tools (SIFT, PolyPhen2, Align GVGD, REVEL) provide contradictory results for the p.Met5124Val substitution. Due to insufficient evidences and the lack of functional studies, the clinical significance of the p.Met5124Val change remains unknown at this time.